The following is an entry in ClinVar:

NM_002474.3(MYH11):c.5435T>C (p.Phe1812Ser)

Genes: MYH11 (myosin heavy chain 11; minus strand), NDE1 (nudE neurodevelopment protein 1; plus strand). Cytogenetic location: 16p13.11.
Variant type: single nucleotide variant.
Coding change: c.5435T>C on transcript NM_002474.3 (MANE Select); coding-DNA position 5435, T replaced by C.
Protein change: p.Phe1812Ser; replaces phenylalanine 1812 with serine.
Molecular consequence: missense variant. On other transcripts: intron variant (2).
Genome position (GRCh38, 1-based): chr16:15,717,209, A>G on the plus strand (T>C on the coding strand, the complement: MYH11 is on the minus strand). VCF-style: chr16-15717209-A-G. GRCh37 (hg19) VCF-style: chr16-15811066-A-G.
Other names: c.5456T>C, p.Phe1819Ser (NM_001040113.2, NM_001040114.2); c.5435T>C, p.Phe1812Ser (NM_022844.3); c.948-6982A>G (NM_001143979.2, NM_017668.3); short protein forms F1812S, F1819S.
Identifiers: ClinVar variation 2552159 (VCV002552159.7), dbSNP rs1567687648, ClinGen allele CA394848899.

ClinVar aggregate classification (germline): Uncertain significance. Review status: criteria provided, multiple submitters, no conflicts (2 of 4 stars). 4 submissions from 4 submitters: Uncertain significance (4). Last evaluated 2025-11-03.

Conditions:
Familial thoracic aortic aneurysm and aortic dissection (TAAD). Also called: Thoracic aortic aneurysms and dissections. Identifiers: Orphanet 91387, MedGen C4707243, MONDO:0019625.
Aortic aneurysm, familial thoracic 4 (AAT4). Also called: AORTIC ANEURYSM/AORTIC DISSECTION AND PATENT DUCTUS ARTERIOSUS. Identifiers: MedGen C1851504, MONDO:0007568, OMIM 132900.

Allele frequency attached by ClinVar (database versions not stated): gnomAD exomes below 0.00001.
gnomAD v4.1: 3 of 1,614,134 alleles (0.00019%); highest among the groups gnomAD compares: Admixed American, 0.0017%; no homozygotes.

Submissions (4):

Color Diagnostics, LLC DBA Color Health
Classification: Uncertain significance for Familial thoracic aortic aneurysm and aortic dissection. Last evaluated: 2025-11-03. Review status: criteria provided, single submitter. Criteria: ACMG Guidelines, 2015. Collection method: clinical testing. Allele origin: germline.
Comment: This missense variant replaces phenylalanine with serine at codon 1819 of the MYH11 protein. Computational prediction suggests that this variant may not impact protein structure and function. To our knowledge, functional studies have not been reported for this variant. This variant has not been reported in individuals affected with MYH11-related disorders in the literature. This variant has been identified in 3/251388 chromosomes in the general population by the Genome Aggregation Database (gnomAD). The available evidence is insufficient to determine the role of this variant in disease conclusively. Therefore, this variant is classified as a Variant of Uncertain Significance.

Labcorp Genetics (formerly Invitae), Labcorp
Classification: Uncertain significance for Aortic aneurysm, familial thoracic 4. Last evaluated: 2025-02-03. Review status: criteria provided, single submitter. Criteria: Invitae Variant Classification Sherloc (09022015). Collection method: clinical testing. Allele origin: germline.
Comment: This sequence change replaces phenylalanine, which is neutral and non-polar, with serine, which is neutral and polar, at codon 1819 of the MYH11 protein (p.Phe1819Ser). This variant is present in population databases (no rsID available, gnomAD 0.006%). This variant has not been reported in the literature in individuals affected with MYH11-related conditions. ClinVar contains an entry for this variant (Variation ID: 2552159). Invitae Evidence Modeling of protein sequence and biophysical properties (such as structural, functional, and spatial information, amino acid conservation, physicochemical variation, residue mobility, and thermodynamic stability) indicates that this missense variant is not expected to disrupt MYH11 protein function with a negative predictive value of 95%. In summary, the available evidence is currently insufficient to determine the role of this variant in disease. Therefore, it has been classified as a Variant of Uncertain Significance.

All of Us Research Program, National Institutes of Health
Classification: Uncertain significance for Familial thoracic aortic aneurysm and aortic dissection. Last evaluated: 2023-11-20. Review status: criteria provided, single submitter. Criteria: ACMG Guidelines, 2015. Collection method: clinical testing. Allele origin: germline. Inheritance: Autosomal dominant inheritance. Observed: 3 variant alleles, 3 heterozygotes.
Comment: This missense variant replaces phenylalanine with serine at codon 1819 of the MYH11 protein. Computational prediction suggests that this variant may not impact protein structure and function (internally defined REVEL score threshold <= 0.5, PMID: 27666373). To our knowledge, functional studies have not been reported for this variant. This variant has not been reported in individuals affected with MYH11-related disorders in the literature. This variant has been identified in 3/251388 chromosomes in the general population by the Genome Aggregation Database (gnomAD). The available evidence is insufficient to determine the role of this variant in disease conclusively. Therefore, this variant is classified as a Variant of Uncertain Significance.

This study involves interpretation of variants in research participants for the purpose of population health screening. Participant phenotype was not available at the time of variant classification. Additional details can be found in publication PMID: 35346344, PMCID: PMC8962531

Ambry Genetics
Classification: Uncertain significance for Familial thoracic aortic aneurysm and aortic dissection. Last evaluated: 2023-05-26. Review status: criteria provided, single submitter. Criteria: Ambry Variant Classification Scheme 2023. Collection method: clinical testing. Allele origin: germline.